The following is an entry in ClinVar:

NM_017999.5(RNF31):c.768G>T (p.Gln256His)

Gene: RNF31 (ring finger protein 31; plus strand). Cytogenetic location: 14q12.
Variant type: single nucleotide variant.
Coding change: c.768G>T on transcript NM_017999.5 (MANE Select); coding-DNA position 768, G replaced by T.
Protein change: p.Gln256His; replaces glutamine 256 with histidine.
Molecular consequence: missense variant.
Genome position (GRCh38, 1-based): chr14:24,149,542, G>T. VCF-style: chr14-24149542-G-T. GRCh37 (hg19) VCF-style: chr14-24618751-G-T.
Other names: c.315G>T, p.Gln105His (NM_001310332.2); short protein forms Q105H, Q256H.
Identifiers: ClinVar variation 2810839 (VCV002810839.3), dbSNP rs1489466766, ClinGen allele CA389291014.

ClinVar aggregate classification (germline): Uncertain significance (1 of 4 stars; one submission).

Allele frequency attached by ClinVar (database versions not stated): TOPMed below 0.00001; gnomAD 0.00001; gnomAD exomes 0.00001.
gnomAD v4.1: 17 of 1,613,976 alleles (0.0011%); highest among the groups gnomAD compares: Non-Finnish European, 0.0014%; no homozygotes.

Submission:

Labcorp Genetics (formerly Invitae), Labcorp
Classification: Uncertain significance. Last evaluated: 2022-10-30. Review status: criteria provided, single submitter. Criteria: Invitae Variant Classification Sherloc (09022015). Collection method: clinical testing. Allele origin: germline.
Comment: This sequence change replaces glutamine, which is neutral and polar, with histidine, which is basic and polar, at codon 256 of the RNF31 protein (p.Gln256His). This variant is not present in population databases (gnomAD no frequency). This variant has not been reported in the literature in individuals affected with RNF31-related conditions. Algorithms developed to predict the effect of missense changes on protein structure and function output the following: SIFT: "Tolerated"; PolyPhen-2: "Benign"; Align-GVGD: "Class C0". The histidine amino acid residue is found in multiple mammalian species, which suggests that this missense change does not adversely affect protein function. In summary, the available evidence is currently insufficient to determine the role of this variant in disease. Therefore, it has been classified as a Variant of Uncertain Significance.